The following is an entry in ClinVar:

NM_015102.5(NPHP4):c.3329C>T (p.Ala1110Val)

Gene: NPHP4 (nephrocystin 4; minus strand). Cytogenetic location: 1p36.31.
Variant type: single nucleotide variant.
Coding change: c.3329C>T on transcript NM_015102.5 (MANE Select); coding-DNA position 3329, C replaced by T.
Protein change: p.Ala1110Val; replaces alanine 1110 with valine.
Molecular consequence: missense variant. On other transcripts: non-coding transcript variant (1).
Genome position (GRCh38, 1-based): chr1:5,867,883, G>A on the plus strand (C>T on the coding strand, the complement: NPHP4 is on the minus strand). VCF-style: chr1-5867883-G-A. GRCh37 (hg19) VCF-style: chr1-5927943-G-A.
Other names: c.1790C>T, p.Ala597Val (NM_001291593.2); c.1793C>T, p.Ala598Val (NM_001291594.2); short protein forms A1110V, A597V, A598V.
Identifiers: ClinVar variation 95682 (VCV000095682.56), dbSNP rs139767853, ClinGen allele CA223178.

ClinVar aggregate classification (germline): Conflicting classifications of pathogenicity. Review status: criteria provided, conflicting classifications (1 of 4 stars). 17 submissions from 16 submitters: Uncertain significance (1); Benign (1); Likely benign (10). 5 of the submissions do not count toward it. Last evaluated 2026-02-03.

Conditions:
Kidney disorder. Also called: renal disease; Kidney disease; Kidney Diseases; Nephropathy; renal disorder. Identifiers: MedGen C0022658, MONDO:0005240, HP:0000112.
Nephronophthisis 4 (NPHP4). Also called: NEPHRONOPHTHISIS 4, JUVENILE. Identifiers: Orphanet 655, MedGen C1847013, MONDO:0011752, OMIM 606966.
Senior-Loken syndrome 4 (SLSN4). Identifiers: Orphanet 3156, MedGen C1846979, MONDO:0011756, OMIM 606996.
Nephronophthisis. Also called: Juvenile Nephronophthisis. Identifiers: Orphanet 655, MedGen C0687120, MONDO:0019005, HP:0000090.

Allele frequency attached by ClinVar (database versions not stated): TOPMed 0.00358; gnomAD exomes 0.00366 and 0.00575; 1000 Genomes Project 30x 0.00187; ExAC 0.00358; 1000 Genomes Project 0.00140; gnomAD 0.00362 and 0.00374; ESP Exome Variant Server 0.00476.
gnomAD v4.1: 8,844 of 1,613,652 alleles (0.55%); highest among the groups gnomAD compares: Non-Finnish European, 0.68%; 30 homozygotes.

Submissions (25):

Labcorp Genetics (formerly Invitae), Labcorp
Classification: Benign for Nephronophthisis. Last evaluated: 2026-02-03. Review status: criteria provided, single submitter. Criteria: Invitae Variant Classification Sherloc (09022015). Collection method: clinical testing. Allele origin: germline.

CeGaT Center for Human Genetics Tuebingen
Classification: Likely benign. Last evaluated: 2025-02-01. Review status: criteria provided, single submitter. Criteria: CeGaT Center For Human Genetics Tuebingen Variant Classification Criteria Version 2. Collection method: clinical testing. Allele origin: germline. Affected: yes. Observed: 8 variant alleles.
Comment: NPHP4: BP4, BS2

Blueprint Genetics
Classification: Likely benign. Last evaluated: 2024-11-22. Review status: criteria provided, single submitter. Criteria: ACMG Guidelines, 2015. Collection method: clinical testing. Allele origin: germline.

Mayo Clinic Laboratories, Mayo Clinic
Classification: Likely benign. Last evaluated: 2024-07-17. Review status: criteria provided, single submitter. Criteria: ACMG Guidelines, 2015. Collection method: clinical testing. Allele origin: germline. Observed: 5 variant alleles.
Comment: BS1, BS2

Fulgent Genetics
Classification: Likely benign for Nephronophthisis 4; Senior-Loken syndrome 4. Last evaluated: 2022-04-03. Review status: criteria provided, single submitter. Criteria: ACMG Guidelines, 2015. Collection method: clinical testing. Allele origin: unknown.

Genetic Services Laboratory, University of Chicago
Classification: Likely benign. Last evaluated: 2019-07-17. Review status: criteria provided, single submitter. Criteria: ACMG Guidelines, 2015. Collection method: clinical testing. Allele origin: germline. Affected: no.

GeneDx
Classification: Likely benign. Last evaluated: 2018-03-12. Review status: criteria provided, single submitter. Criteria: GeneDx Variant Classification Process June 2021. Collection method: clinical testing. Allele origin: germline. Affected: yes.
Comment: This variant is associated with the following publications: (PMID: 22550138, 26260382)

Illumina Laboratory Services, Illumina
Classification: Likely benign for Nephronophthisis 4. Last evaluated: 2018-01-13. Review status: criteria provided, single submitter. Criteria: ICSL Variant Classification Criteria 13 December 2019. Collection method: clinical testing. Allele origin: germline.
Comment: This variant was observed in the ICSL laboratory as part of a predisposition screen in an ostensibly healthy population. It had not been previously curated by ICSL or reported in the Human Gene Mutation Database (HGMD: prior to June 1st, 2018), and was therefore a candidate for classification through an automated scoring system. Utilizing variant allele frequency, disease prevalence and penetrance estimates, and inheritance mode, an automated score was calculated to assess if this variant is too frequent to cause the disease. Based on the score and internal cut-off values, a variant classified as likely benign is not then subjected to further curation. The score for this variant resulted in a classification of likely benign for this disease.

Illumina Laboratory Services, Illumina
Classification: Likely benign for Senior-Loken syndrome 4. Last evaluated: 2018-01-13. Review status: criteria provided, single submitter. Criteria: ICSL Variant Classification Criteria 13 December 2019. Collection method: clinical testing. Allele origin: germline.
Comment: the same text as in the submission from Illumina Laboratory Services, Illumina above.

Genome Diagnostics Laboratory, The Hospital for Sick Children
Classification: Uncertain significance for Kidney disorder. Last evaluated: 2017-05-10. Review status: criteria provided, single submitter. Criteria: ACMG Guidelines, 2015. Collection method: clinical testing. Allele origin: germline.

Eurofins Ntd Llc (ga)
Classification: Likely benign. Last evaluated: 2016-11-09. Review status: criteria provided, single submitter. Criteria: EGL Classification Definitions 2015. Collection method: clinical testing. Allele origin: germline. Observed: 9 variant alleles, 8 heterozygotes, 1 homozygote.

Breakthrough Genomics
Classification: Likely benign. Review status: criteria provided, single submitter. Criteria: ACMG Guidelines, 2015. Collection method: not provided. Allele origin: germline. Inheritance: Autosomal recessive inheritance. Affected: yes.

Sydney Genome Diagnostics, Children's Hospital Westmead
Classification: Uncertain significance for Nephronophthisis. Last evaluated: 2019-07-23. Review status: no assertion criteria provided. Collection method: clinical testing. Allele origin: unknown. Affected: yes. Observed: 1 variant allele, 1 compound heterozygote. Not counted in ClinVar's aggregate classification.
Comment: To our knowledge, this variant has not been previously reported in the literature or any disease specific databases to be a disease causing variant. The variant is listed in ClinVar multiple times as both a benign variant and a VOUS. This variant has been reported in the gnomAD browser with a low allele frequency of 0.36% (998 out of 276,100 alleles including 3 homozygous individuals). In silico analysis of pathogenicity (through Alamut Visual v2.8.1) using PolyPhen2, SIFT and MutationTaster all suggest that this variant is likely to be benign. This variant is considered to be a VOUS according to the ACMG guidelines (Evidence used: BP4).

Clinical Genetics DNA and cytogenetics Diagnostics Lab, Erasmus MC, Erasmus Medical Center
Classification: Likely benign. Review status: no assertion criteria provided. Collection method: clinical testing. Allele origin: germline. Affected: yes. Study: VKGL Data-share Consensus. Not counted in ClinVar's aggregate classification.

Clinical Genetics, Academic Medical Center
Classification: Likely benign. Review status: no assertion criteria provided. Collection method: clinical testing. Allele origin: germline. Affected: yes. Study: VKGL Data-share Consensus. Not counted in ClinVar's aggregate classification.

Dr. Peter K. Rogan Lab, Western University
No classification provided (evidence only). Condition: Melanoma. Review status: no classification provided. Collection method: in vitro. Allele origin: not applicable. Functional consequence: retained intron. Not counted in ClinVar's aggregate classification.

Dr. Peter K. Rogan Lab, Western University
No classification provided (evidence only). Condition: Familial cancer of breast. Review status: no classification provided. Collection method: in vitro. Allele origin: not applicable. Functional consequence: retained intron. Not counted in ClinVar's aggregate classification.

Dr. Peter K. Rogan Lab, Western University
No classification provided (evidence only). Condition: Familial cancer of breast. Review status: no classification provided. Collection method: in vitro. Allele origin: not applicable. Functional consequence: retained intron. Not counted in ClinVar's aggregate classification.

Dr. Peter K. Rogan Lab, Western University
No classification provided (evidence only). Condition: Acute myeloid leukemia. Review status: no classification provided. Collection method: in vitro. Allele origin: not applicable. Functional consequence: retained intron. Not counted in ClinVar's aggregate classification.

Dr. Peter K. Rogan Lab, Western University
No classification provided (evidence only). Condition: Thyroid cancer, nonmedullary, 1. Review status: no classification provided. Collection method: in vitro. Allele origin: not applicable. Functional consequence: retained intron. Not counted in ClinVar's aggregate classification.

Dr. Peter K. Rogan Lab, Western University
No classification provided (evidence only). Condition: Cervical cancer. Review status: no classification provided. Collection method: in vitro. Allele origin: not applicable. Functional consequence: retained intron. Not counted in ClinVar's aggregate classification.

Dr. Peter K. Rogan Lab, Western University
No classification provided (evidence only). Condition: Sarcoma. Review status: no classification provided. Collection method: in vitro. Allele origin: not applicable. Functional consequence: retained intron. Not counted in ClinVar's aggregate classification.

Dr. Peter K. Rogan Lab, Western University
No classification provided (evidence only). Condition: Malignant tumor of esophagus. Review status: no classification provided. Collection method: in vitro. Allele origin: not applicable. Functional consequence: skipped exon. Not counted in ClinVar's aggregate classification.

Genome Diagnostics Laboratory, University Medical Center Utrecht
Classification: Likely benign. Review status: no assertion criteria provided. Collection method: clinical testing. Allele origin: germline. Affected: yes. Study: VKGL Data-share Consensus. Not counted in ClinVar's aggregate classification.

Laboratory of Diagnostic Genome Analysis, Leiden University Medical Center (LUMC)
Classification: Likely benign. Review status: no assertion criteria provided. Collection method: clinical testing. Allele origin: germline. Affected: yes. Study: VKGL Data-share Consensus. Not counted in ClinVar's aggregate classification.

Literature cited by the submitters: PubMed 26260382 (cited by Mayo Clinic Laboratories, Mayo Clinic); PubMed 31831576 (cited by Mayo Clinic Laboratories, Mayo Clinic).